The following is an entry in ClinVar:

ClinVar aggregate classification (germline): Uncertain significance (1 of 4 stars; one submission).

Submission:

Labcorp Genetics (formerly Invitae), Labcorp
Classification: Uncertain significance. Last evaluated: 2022-08-06. Review status: criteria provided, single submitter. Criteria: Invitae Variant Classification Sherloc (09022015). Collection method: clinical testing. Allele origin: germline.
Comment: In summary, the available evidence is currently insufficient to determine the role of this variant in disease. Therefore, it has been classified as a Variant of Uncertain Significance. Algorithms developed to predict the effect of missense changes on protein structure and function (SIFT, PolyPhen-2, Align-GVGD) all suggest that this variant is likely to be tolerated. This variant has not been reported in the literature in individuals affected with BCAP31-related conditions. This variant is not present in population databases (gnomAD no frequency). This sequence change replaces glutamic acid, which is acidic and polar, with aspartic acid, which is acidic and polar, at codon 180 of the BCAP31 protein (p.Glu180Asp).

NM_001256447.2(BCAP31):c.540G>C (p.Glu180Asp)

Gene: BCAP31 (B cell receptor associated protein 31; minus strand). Cytogenetic location: Xq28.
Variant type: single nucleotide variant.
Coding change: c.540G>C on transcript NM_001256447.2 (MANE Select); coding-DNA position 540, G replaced by C.
Protein change: p.Glu180Asp; replaces glutamic acid 180 with aspartic acid.
Molecular consequence: missense variant.
Genome position (GRCh38, 1-based): chrX:153,702,996, C>G on the plus strand (G>C on the coding strand, the complement: BCAP31 is on the minus strand). VCF-style: chrX-153702996-C-G. GRCh37 (hg19) VCF-style: chrX-152968451-C-G.
Other names: c.540G>C, p.Glu180Asp (NM_001139441.1, NM_005745.8); c.741G>C, p.Glu247Asp (NM_001139457.2); short protein forms E180D, E247D.
Identifiers: ClinVar variation 2015045 (VCV002015045.4), dbSNP rs2522191632, ClinGen allele CA415093412.